The following is an entry in ClinVar:

NM_016222.4(DDX41):c.683G>T (p.Gly228Val)

Gene: DDX41 (DEAD-box helicase 41; minus strand). Cytogenetic location: 5q35.3.
Variant type: single nucleotide variant.
Coding change: c.683G>T on transcript NM_016222.4 (MANE Select); coding-DNA position 683, G replaced by T.
Protein change: p.Gly228Val; replaces glycine 228 with valine.
Molecular consequence: missense variant.
Genome position (GRCh38, 1-based): chr5:177,515,031, C>A on the plus strand (G>T on the coding strand, the complement: DDX41 is on the minus strand). VCF-style: chr5-177515031-C-A. GRCh37 (hg19) VCF-style: chr5-176942032-C-A.
Other names: c.305G>T, p.Gly102Val (NM_001321732.2, NM_001321830.2); short protein forms G102V, G228V.
Identifiers: ClinVar variation 3372983 (VCV003372983.1).

ClinVar aggregate classification (germline): Uncertain significance (1 of 4 stars; one submission).

Submission:

GeneDx
Classification: Uncertain significance. Last evaluated: 2024-04-24. Review status: criteria provided, single submitter. Criteria: GeneDx Variant Classification Process June 2021. Collection method: clinical testing. Allele origin: germline. Affected: yes.
Comment: Not observed at significant frequency in large population cohorts (gnomAD); In silico analysis supports that this missense variant has a deleterious effect on protein structure/function; Has not been previously published as pathogenic or benign to our knowledge; In silico analysis suggests this variant may impact gene splicing. In the absence of RNA/functional studies, the actual effect of this sequence change is unknown; This variant is associated with the following publications: (PMID: 27721487)